The following is an entry in ClinVar:

NM_003923.3(FOXH1):c.147_149del (p.Pro50del)

Gene: FOXH1 (forkhead box H1; minus strand). Cytogenetic location: 8q24.3.
Variant type: Deletion.
Coding change: c.147_149del on transcript NM_003923.3 (MANE Select); coding-DNA positions 147 to 149, 3 bases deleted (TCC; older notation c.147_149delTCC).
Protein change: p.Pro50del; deletes proline 50.
Molecular consequence: inframe deletion.
Genome position (GRCh38, 1-based): chr8:144,475,608-144,475,610, GGA deleted on the plus strand (TCC on the coding strand, the reverse complement: FOXH1 is on the minus strand); deleting any 3 consecutive bases within chr8:144,475,608-144,475,611 gives the same sequence; the c. name uses the placement nearest the transcript's 3' end. VCF-style (leftmost placement, unchanged base first): chr8-144475607-GGGA-G. GRCh37 (hg19) VCF-style: chr8-145700990-GGGA-G.
Other names: short protein forms P50del.
Identifiers: ClinVar variation 1474768 (VCV001474768.6), dbSNP rs2130041524, ClinGen allele CA2573142906.

ClinVar aggregate classification (germline): Uncertain significance (1 of 4 stars; one submission).

Conditions:
Holoprosencephaly sequence (HPE). Also called: Holoprosencephaly. Identifiers: Orphanet 2162, MedGen C0079541, MONDO:0016296, HP:0001360.

Submission:

Labcorp Genetics (formerly Invitae), Labcorp
Classification: Uncertain significance for Holoprosencephaly sequence. Last evaluated: 2022-07-12. Review status: criteria provided, single submitter. Criteria: Invitae Variant Classification Sherloc (09022015). Collection method: clinical testing. Allele origin: germline.
Comment: In summary, the available evidence is currently insufficient to determine the role of this variant in disease. Therefore, it has been classified as a Variant of Uncertain Significance. Experimental studies and prediction algorithms are not available or were not evaluated, and the functional significance of this variant is currently unknown. This variant, c.147_149del, results in the deletion of 1 amino acid(s) of the FOXH1 protein (p.Pro50del), but otherwise preserves the integrity of the reading frame. This variant is not present in population databases (gnomAD no frequency). ClinVar contains an entry for this variant (Variation ID: 1474768). This variant has not been reported in the literature in individuals affected with FOXH1-related conditions.